The following is an entry in ClinVar:

NM_000059.4(BRCA2):c.6690del (p.Ile2230fs)

Gene: BRCA2 (BRCA2 DNA repair associated; plus strand). Cytogenetic location: 13q13.1.
Variant type: Deletion.
Coding change: c.6690del on transcript NM_000059.4 (MANE Select); coding-DNA position 6690, one base deleted (T; older notation c.6690delT).
Protein change: p.Ile2230fs; shifts the reading frame from isoleucine 2230.
Molecular consequence: frameshift variant.
Genome position (GRCh38, 1-based): chr13:32,341,045, T deleted; the last of 2 consecutive T bases (chr13:32,341,044-32,341,045); deleting either gives the same sequence. VCF-style (leftmost placement, unchanged base first): chr13-32341043-AT-A. GRCh37 (hg19) VCF-style: chr13-32915180-AT-A.
Other names: short protein forms I2230fs.
Identifiers: ClinVar variation 954845 (VCV000954845.12), dbSNP rs1555284792, ClinGen allele CA919242755.

ClinVar aggregate classification (germline): Pathogenic (1 of 4 stars; one submission).

Conditions:
Hereditary breast ovarian cancer syndrome. Also called: Hereditary breast and ovarian cancer; Hereditary breast and/or ovarian cancer syndrome; Hereditary breast and ovarian cancer syndrome; Hereditary breast and ovarian cancer syndrome (HBOC); Breast and ovarian cancer; BRCA1- and BRCA2-Associated Hereditary Breast and Ovarian Cancer. Identifiers: Orphanet 145, MedGen C0677776, MeSH D061325, MONDO:0003582. Disease mechanism: loss of function.

Submission:

Labcorp Genetics (formerly Invitae), Labcorp
Classification: Pathogenic for Hereditary breast ovarian cancer syndrome. Last evaluated: 2019-08-19. Review status: criteria provided, single submitter. Criteria: Invitae Variant Classification Sherloc (09022015). Collection method: clinical testing. Allele origin: germline.
Comment: For these reasons, this variant has been classified as Pathogenic. Loss-of-function variants in BRCA2 are known to be pathogenic (PMID: 20104584). This variant has been observed in an individual affected with breast cancer (PMID: 28724667). This variant is also known as c.6689delT in the literature. This variant is not present in population databases (ExAC no frequency). This sequence change creates a premature translational stop signal (p.Ile2230Metfs*11) in the BRCA2 gene. It is expected to result in an absent or disrupted protein product.

Literature cited by the submitters: PubMed 20104584; PubMed 28724667.